The following is an entry in ClinVar:

ClinVar aggregate classification (germline): Likely benign. Review status: criteria provided, multiple submitters, no conflicts (2 of 4 stars). 4 submissions from 4 submitters: Likely benign (4). Last evaluated 2025-08-03.

Conditions:
Cardiomyopathy (CMYO). Also called: Cardiomyopathies. Identifiers: Orphanet 167848, MedGen C0878544, MONDO:0004994, HP:0001638. Inheritance: Various modes of inheritance.
Cardiovascular phenotype. Identifiers: MedGen CN230736.
Familial isolated arrhythmogenic right ventricular dysplasia. Identifiers: Orphanet 217656, MedGen C4274968, MONDO:0016342.

Allele frequency attached by ClinVar (database versions not stated): TOPMed below 0.00001; gnomAD 0.00001; gnomAD exomes 0.00001.

Submissions (4):

Ambry Genetics
Classification: Likely benign for Cardiovascular phenotype. Last evaluated: 2025-08-03. Review status: criteria provided, single submitter. Criteria: Ambry Variant Classification Scheme 2023. Collection method: clinical testing. Allele origin: germline.

All of Us Research Program, National Institutes of Health
Classification: Likely benign for Familial isolated arrhythmogenic right ventricular dysplasia. Last evaluated: 2024-07-29. Review status: criteria provided, single submitter. Criteria: ACMG Guidelines, 2015. Collection method: clinical testing. Allele origin: germline. Inheritance: Autosomal dominant inheritance. Observed: 1 variant allele, 1 heterozygote.
Comment: This study involves interpretation of variants in research participants for the purpose of population health screening. Participant phenotype was not available at the time of variant classification. Additional details can be found in publication PMID: 35346344, PMCID: PMC8962531

CeGaT Center for Human Genetics Tuebingen
Classification: Likely benign. Last evaluated: 2023-01-01. Review status: criteria provided, single submitter. Criteria: CeGaT Center For Human Genetics Tuebingen Variant Classification Criteria Version 2. Collection method: clinical testing. Allele origin: germline. Affected: yes. Observed: 1 variant allele.
Comment: DSC2: BP4, BP7

Color Diagnostics, LLC DBA Color Health
Classification: Likely benign for Cardiomyopathy. Last evaluated: 2019-12-09. Review status: criteria provided, single submitter. Criteria: ACMG Guidelines, 2015. Collection method: clinical testing. Allele origin: germline.

NM_024422.6(DSC2):c.2403C>T (p.Gly801=)

Gene: DSC2 (desmocollin 2; minus strand). Cytogenetic location: 18q12.1.
Variant type: single nucleotide variant.
Coding change: c.2403C>T on transcript NM_024422.6 (MANE Select); coding-DNA position 2403, C replaced by T.
Protein change: p.Gly801=; no amino-acid change (glycine 801 retained).
Molecular consequence: synonymous variant.
Genome position (GRCh38, 1-based): chr18:31,068,999, G>A on the plus strand (C>T on the coding strand, the complement: DSC2 is on the minus strand). VCF-style: chr18-31068999-G-A. GRCh37 (hg19) VCF-style: chr18-28648965-G-A.
Other names: c.2403C>T, p.Gly801= (NM_004949.5).
Identifiers: ClinVar variation 920917 (VCV000920917.28), dbSNP rs1261715763, ClinGen allele CA503384594.